The following is an entry in ClinVar:

ClinVar aggregate classification (germline): Uncertain significance. Review status: criteria provided, multiple submitters, no conflicts (2 of 4 stars). 2 submissions from 2 submitters: Uncertain significance (2). Last evaluated 2024-05-14.

Conditions:
Marfan syndrome (MFS). Also called: MARFAN SYNDROME, TYPE I; Marfan syndrome type 1; Marfan's syndrome; FBN1-Related Marfan Syndrome; Marfan syndrome, classic. Identifiers: Orphanet 284963, Orphanet 558, MedGen C0024796, MONDO:0007947, OMIM 154700.
Familial thoracic aortic aneurysm and aortic dissection (TAAD). Also called: Thoracic aortic aneurysms and dissections. Identifiers: Orphanet 91387, MedGen C4707243, MONDO:0019625.

Submissions (2):

All of Us Research Program, National Institutes of Health
Classification: Uncertain significance for Marfan syndrome. Last evaluated: 2024-05-14. Review status: criteria provided, single submitter. Criteria: ACMG Guidelines, 2015. Collection method: clinical testing. Allele origin: germline. Inheritance: Autosomal dominant inheritance. Observed: 1 variant allele, 1 heterozygote.
Comment: This missense variant replaces aspartic acid with valine at codon 290 of the FBN1 protein. Computational prediction suggests that this variant may have deleterious impact on protein structure and function (internally defined REVEL score threshold >= 0.7, PMID: 27666373). To our knowledge, functional studies have not been reported for this variant. This variant has not been reported in individuals affected with FBN1-related disorders in the literature. This variant has not been identified in the general population by the Genome Aggregation Database (gnomAD). The available evidence is insufficient to determine the role of this variant in disease conclusively. Therefore, this variant is classified as a Variant of Uncertain Significance.

This study involves interpretation of variants in research participants for the purpose of population health screening. Participant phenotype was not available at the time of variant classification. Additional details can be found in publication PMID: 35346344, PMCID: PMC8962531

Color Diagnostics, LLC DBA Color Health
Classification: Uncertain significance for Familial thoracic aortic aneurysm and aortic dissection. Last evaluated: 2024-04-24. Review status: criteria provided, single submitter. Criteria: ACMG Guidelines, 2015. Collection method: clinical testing. Allele origin: germline.
Comment: This missense variant replaces aspartic acid with valine at codon 290 of the FBN1 protein. Computational prediction suggests that this variant may have deleterious impact on protein structure and function. To our knowledge, functional studies have not been reported for this variant. This variant has not been reported in individuals affected with FBN1-related disorders in the literature. This variant has not been identified in the general population by the Genome Aggregation Database (gnomAD). The available evidence is insufficient to determine the role of this variant in disease conclusively. Therefore, this variant is classified as a Variant of Uncertain Significance.

NM_000138.5(FBN1):c.869A>T (p.Asp290Val)

Gene: FBN1 (fibrillin 1; minus strand). Cytogenetic location: 15q21.1.
Variant type: single nucleotide variant.
Coding change: c.869A>T on transcript NM_000138.5 (MANE Select); coding-DNA position 869, A replaced by T.
Protein change: p.Asp290Val; replaces aspartic acid 290 with valine.
Molecular consequence: missense variant.
Genome position (GRCh38, 1-based): chr15:48,526,249, T>A on the plus strand (A>T on the coding strand, the complement: FBN1 is on the minus strand). VCF-style: chr15-48526249-T-A. GRCh37 (hg19) VCF-style: chr15-48818446-T-A.
Other names: c.869A>T, p.Asp290Val (NM_001406716.1); short protein forms D290V.
Identifiers: ClinVar variation 3386863 (VCV003386863.2).